The following is an entry in ClinVar:

NM_001037.5(SCN1B):c.98G>T (p.Gly33Val)

Gene: SCN1B (sodium voltage-gated channel beta subunit 1; plus strand). Cytogenetic location: 19q13.11.
Variant type: single nucleotide variant.
Coding change: c.98G>T on transcript NM_001037.5 (MANE Select); coding-DNA position 98, G replaced by T.
Protein change: p.Gly33Val; replaces glycine 33 with valine.
Molecular consequence: missense variant. On other transcripts: 5 prime UTR variant (1).
Genome position (GRCh38, 1-based): chr19:35,032,585, G>T. VCF-style: chr19-35032585-G-T. GRCh37 (hg19) VCF-style: chr19-35523489-G-T.
Other names: c.-2G>T (NM_001321605.2); c.98G>T, p.Gly33Val (NM_199037.5); short protein forms G33V.
Identifiers: ClinVar variation 1500101 (VCV001500101.6), dbSNP rs2151745999, ClinGen allele CA405327987.

ClinVar aggregate classification (germline): Uncertain significance (1 of 4 stars; one submission).

Conditions:
Brugada syndrome 5 (BRGDA5). Identifiers: Orphanet 130, Orphanet 871, MedGen C2748541, MONDO:0013015, OMIM 612838.

Submission:

Labcorp Genetics (formerly Invitae), Labcorp
Classification: Uncertain significance for Brugada syndrome 5. Last evaluated: 2021-08-21. Review status: criteria provided, single submitter. Criteria: Invitae Variant Classification Sherloc (09022015). Collection method: clinical testing. Allele origin: germline.
Comment: Algorithms developed to predict the effect of missense changes on protein structure and function (SIFT, PolyPhen-2, Align-GVGD) all suggest that this variant is likely to be disruptive. This variant has not been reported in the literature in individuals affected with SCN1B-related conditions. This variant is not present in population databases (ExAC no frequency). This sequence change replaces glycine with valine at codon 33 of the SCN1B protein (p.Gly33Val). The glycine residue is highly conserved and there is a moderate physicochemical difference between glycine and valine. In summary, the available evidence is currently insufficient to determine the role of this variant in disease. Therefore, it has been classified as a Variant of Uncertain Significance.